The following is an entry in ClinVar:

ClinVar aggregate classification (germline): Uncertain significance (1 of 4 stars; one submission).

Submission:

GeneDx
Classification: Uncertain significance. Last evaluated: 2025-05-27. Review status: criteria provided, single submitter. Criteria: GeneDx Variant Classification Process June 2021. Collection method: clinical testing. Allele origin: germline. Affected: yes.
Comment: Not observed at significant frequency in large population cohorts (gnomAD); In silico analysis supports that this missense variant has a deleterious effect on protein structure/function; Has not been previously published as pathogenic or benign to our knowledge

NM_000260.4(MYO7A):c.5132C>T (p.Pro1711Leu)

Gene: MYO7A (myosin VIIA; plus strand). Cytogenetic location: 11q13.5.
Variant type: single nucleotide variant.
Coding change: c.5132C>T on transcript NM_000260.4 (MANE Select); coding-DNA position 5132, C replaced by T.
Protein change: p.Pro1711Leu; replaces proline 1711 with leucine.
Molecular consequence: missense variant.
Genome position (GRCh38, 1-based): chr11:77,202,388, C>T. VCF-style: chr11-77202388-C-T. GRCh37 (hg19) VCF-style: chr11-76913433-C-T.
Other names: c.5018C>T, p.Pro1673Leu (NM_001127180.2); c.4985C>T, p.Pro1662Leu (NM_001369365.1); short protein forms P1662L, P1673L, P1711L.
Identifiers: ClinVar variation 4532585 (VCV004532585.1).
Genomic context (GRCh38, chr11:77,202,388, plus strand): 5'-GGCAGGACGTTGTCCGGCTCTTGCAGCTGCGAACGGCGGAGCCCGAGGTGCGTGCCAAGC[C>T]CTACACGCTGGAGGAGTTTTCCTATGACTACTTCAGGTGATGCCTCCTGGGGAAGGATGG-3'
Protein context (NP_000251.3, residues 1701-1721): RTAEPEVRAK[Pro1711Leu]YTLEEFSYDY